The following is an entry in ClinVar:

NM_002180.3(IGHMBP2):c.2911_2912del (p.Arg971fs)

Gene: IGHMBP2 (immunoglobulin mu DNA binding protein 2; plus strand). Cytogenetic location: 11q13.3.
Variant type: Microsatellite.
Coding change: c.2911_2912del on transcript NM_002180.3 (MANE Select); coding-DNA positions 2911 to 2912, 2 bases deleted (AG; older notation c.2911_2912delAG).
Protein change: p.Arg971fs; shifts the reading frame from arginine 971.
Molecular consequence: frameshift variant.
Genome position (GRCh38, 1-based): chr11:68,939,660-68,939,661, AG deleted; deleting any 2 consecutive bases within chr11:68,939,658-68,939,661 gives the same sequence; the c. name uses the placement nearest the transcript's 3' end. VCF-style (leftmost placement, unchanged base first): chr11-68939657-CAG-C. GRCh37 (hg19) VCF-style: chr11-68707125-CAG-C.
Other names: p.Arg971Glufs*4; c.2911_2912delAG (NM_002180.2, NM_002180.3); c.2909_2910del (NM_002180.3); short protein forms R971fs.
Identifiers: ClinVar variation 162195 (VCV000162195.40), dbSNP rs724159994, ClinGen allele CA211916.

ClinVar aggregate classification (germline): Pathogenic/Likely pathogenic. Review status: criteria provided, multiple submitters, no conflicts (2 of 4 stars). 15 submissions from 15 submitters: Pathogenic (9); Likely pathogenic (1). 5 of the submissions do not count toward it. Last evaluated 2026-06-15.

Conditions:
IGHMBP2-related disorder. Also called: IGHMBP2-related condition; IGHMBP2-related disorders.
Distal spinal muscular atrophy. Also called: Distal hereditary motor neuropathy; Distal hereditary motor neuronopathy. Identifiers: Orphanet 53739, MedGen C0393541, MONDO:0018894.
Inborn genetic diseases. Identifiers: MedGen C0950123, MeSH D030342.
Autosomal recessive distal spinal muscular atrophy 1. Also called: NEURONOPATHY, SEVERE INFANTILE AXONAL, WITH RESPIRATORY FAILURE; SEVERE INFANTILE AXONAL NEUROPATHY WITH RESPIRATORY FAILURE; SPINAL MUSCULAR ATROPHY, DIAPHRAGMATIC; Spinal muscular atrophy with respiratory distress 1; NEURONOPATHY, DISTAL HEREDITARY MOTOR, HARDING TYPE VI; NEUROPATHY, DISTAL HEREDITARY MOTOR, AUTOSOMAL RECESSIVE 1. Identifiers: Orphanet 98920, MedGen C1858517, MONDO:0011436, OMIM 604320.
Charcot-Marie-Tooth disease axonal type 2S. Also called: CHARCOT-MARIE-TOOTH DISEASE, AXONAL, AUTOSOMAL RECESSIVE, TYPE 2S; CHARCOT-MARIE-TOOTH NEUROPATHY, TYPE 2S. Identifiers: Orphanet 443073, MedGen C4015349, MONDO:0014511, OMIM 616155.
Charcot-Marie-Tooth disease. Also called: Charcot-Marie-Tooth Neuropathy; Charcot-Marie-Tooth Hereditary Neuropathy. Identifiers: Orphanet 166, MedGen C0007959, MONDO:0015626.

Submissions (15):

PreventionGenetics, part of Exact Sciences
Classification: Pathogenic for IGHMBP2-related condition. Last evaluated: 2026-06-15. Review status: criteria provided, single submitter. Criteria: ACMG Guidelines, 2015. Collection method: clinical testing. Allele origin: germline.
Comment: The IGHMBP2 c.2911_2912delAG variant is predicted to result in a frameshift and premature protein termination (p.Arg971Glufs*4). This variant has been reported in the compound heterozygous state in individuals with autosomal recessive Charcot-Marie-Tooth disease (Majumdar et al. 2014.DOI 10.1016/j.nmd.2014.06.316; Cottenie et al. 2014. PubMed ID: 25439726; Antoniadi et al. 2015. PubMed ID: 26392352; Bacquet et al. 2018. PubMed ID: 30373780; Cortese et al. 2019. PubMed ID: 31827005). This variant occurs in the last exon of the gene and is not expected to undergo nonsense mediated decay (Cottenie et al. 2014. PubMed ID: 25439726). This variant is reported in 0.024% of alleles in individuals of European (non-Finnish) descent in gnomAD, and it is classified as pathogenic/likely pathogenic in the ClinVar database (Variation ID: 162195). Frameshift variants in IGHMBP2 are expected to be pathogenic. Taken together, this variant is interpreted as pathogenic.

Labcorp Genetics (formerly Invitae), Labcorp
Classification: Pathogenic for Autosomal recessive distal spinal muscular atrophy 1; Charcot-Marie-Tooth disease axonal type 2S. Last evaluated: 2025-11-06. Review status: criteria provided, single submitter. Criteria: Invitae Variant Classification Sherloc (09022015). Collection method: clinical testing. Allele origin: germline.
Comment: This sequence change creates a premature translational stop signal (p.Arg971Glufs*4) in the IGHMBP2 gene. While this is not anticipated to result in nonsense mediated decay, it is expected to disrupt the last 23 amino acid(s) of the IGHMBP2 protein. This variant is present in population databases (rs572973851, gnomAD 0.02%). This premature translational stop signal has been observed in individuals with peripheral neuropathy (PMID: 15269181, 25439726, 25568292, 26392352; internal data). ClinVar contains an entry for this variant (Variation ID: 162195). For these reasons, this variant has been classified as Pathogenic.

Fulgent Genetics
Classification: Pathogenic for Autosomal recessive distal spinal muscular atrophy 1; Charcot-Marie-Tooth disease axonal type 2S. Last evaluated: 2024-06-13. Review status: criteria provided, single submitter. Criteria: ACMG Guidelines, 2015. Collection method: clinical testing. Allele origin: germline.

Women's Health and Genetics/Laboratory Corporation of America, LabCorp
Classification: Pathogenic for Charcot-Marie-Tooth disease axonal type 2S. Last evaluated: 2023-10-13. Review status: criteria provided, single submitter. Criteria: LabCorp Variant Classification Summary - May 2015. Collection method: clinical testing. Allele origin: germline.
Comment: Variant summary: IGHMBP2 c.2911_2912delAG (p.Arg971GlufsX4) results in a premature termination codon, predicted to cause a truncation of the encoded protein or absence of the protein. The variant allele was found at a frequency of 0.00012 in 248290 control chromosomes (gnomAD). c.2911_2912delAG has been reported in the literature in individuals affected with Charcot-Marie Tooth disease type 2 (examples: Bacquet_2018, Cottenie_2014). These data indicate that the variant is likely to be associated with disease. The following publications have been ascertained in the context of this evaluation (PMID: 30373780, 31827005). Five submitters have cited clinical-significance assessments for this variant to ClinVar after 2014 and classified the variants as pathogenic (n=4) and VUS (n=1). Based on the evidence outlined above, the variant was classified as pathogenic.

Mayo Clinic Laboratories, Mayo Clinic
Classification: Pathogenic. Last evaluated: 2023-07-17. Review status: criteria provided, single submitter. Criteria: ACMG Guidelines, 2015. Collection method: clinical testing. Allele origin: germline.
Comment: PP1, PM2_moderate, PM3_very_strong, PS4, PVS1_moderate

GeneDx
Classification: Pathogenic. Last evaluated: 2022-09-16. Review status: criteria provided, single submitter. Criteria: GeneDx Variant Classification Process June 2021. Collection method: clinical testing. Allele origin: germline. Affected: yes.
Comment: Frameshift variant predicted to result in protein truncation as the last 23 amino acids are lost and replaced with 3 incorrect amino acids; This variant is associated with the following publications: (PMID: 26298607, 30373780, 31827005, 33084218, 32376792, 26392352)

Ambry Genetics
Classification: Pathogenic for Inborn genetic diseases. Last evaluated: 2021-05-14. Review status: criteria provided, single submitter. Criteria: Ambry Variant Classification Scheme 2023. Collection method: clinical testing. Allele origin: germline.
Comment: The c.2911_2912delAG (p.R971Efs*4) alteration, located in exon 15 (coding exon 15) of the IGHMBP2 gene, consists of a deletion of 2 nucleotides from position 2911 to 2912, causing a translational frameshift with a predicted alternate stop codon after 4 amino acids. This alteration occurs at the 3' terminus of the IGHMBP2 gene, is not expected to trigger nonsense-mediated mRNA decay, and only impacts the last 23 amino acids of the protein. However, premature stop codons are typically deleterious in nature. Based on data from gnomAD, this allele has an overall frequency of 0.012% (33/279672) total alleles studied. The highest observed frequency was 0.024% (31/127458) of European (non-Finnish) alleles. This variant has been reported in conjunction with other pathogenic mutations in IGHMBP2 in multiple unrelated patients with IGHMBP2-related neuropathy (Cottenie, 2014; Bacquet, 2018; Cortese, 2020; Schottmann, 2015). This alteration has also been detected in the homozygous state in a patient reported to have Charcot-Marie-Tooth disease; however, clinical information was limited (Antoniadi, 2015). Based on the available evidence, this alteration is classified as pathogenic.

Revvity Omics, Revvity
Classification: Pathogenic. Last evaluated: 2019-07-18. Review status: criteria provided, single submitter. Criteria: ACMG Guidelines, 2015. Collection method: clinical testing. Allele origin: germline.

Consultorio y Laboratorio de Neurogenética, Hospital JM Ramos Mejia
Classification: Pathogenic for Autosomal recessive distal spinal muscular atrophy 1. Review status: criteria provided, single submitter. Criteria: Perez et al. (J Hum Genet. 2020). Collection method: clinical testing. Allele origin: unknown. Inheritance: Autosomal recessive inheritance. Affected: yes. Observed: 1 compound heterozygote.

Molecular Genetics Laboratory, London Health Sciences Centre
Classification: Likely pathogenic for Charcot-Marie-Tooth disease. Review status: criteria provided, single submitter. Criteria: ACMG Guidelines, 2015. Collection method: clinical testing. Allele origin: germline. Affected: yes.

Institute of Human Genetics, Cologne University
Classification: Uncertain significance for Distal spinal muscular atrophy. Last evaluated: 2018-04-26. Review status: no assertion criteria provided. Collection method: clinical testing. Allele origin: unknown. Affected: yes. Not counted in ClinVar's aggregate classification.

OMIM
Classification: Pathogenic for CHARCOT-MARIE-TOOTH DISEASE, AXONAL, TYPE 2S. Last evaluated: 2015-02-03. Review status: no assertion criteria provided. Collection method: literature only. Allele origin: germline. Not counted in ClinVar's aggregate classification.

Clinical Genetics, Academic Medical Center
Classification: Pathogenic. Review status: no assertion criteria provided. Collection method: clinical testing. Allele origin: germline. Affected: yes. Study: VKGL Data-share Consensus. Not counted in ClinVar's aggregate classification.

Genome Diagnostics Laboratory, University Medical Center Utrecht
Classification: Pathogenic. Review status: no assertion criteria provided. Collection method: clinical testing. Allele origin: germline. Affected: yes. Study: VKGL Data-share Consensus. Not counted in ClinVar's aggregate classification.

Inherited Neuropathy Consortium
Classification: Uncertain significance for Charcot-Marie-Tooth disease. Review status: no assertion criteria provided. Collection method: literature only. Allele origin: germline. Affected: yes. Not counted in ClinVar's aggregate classification.

Literature cited by the submitters: PubMed 15269181 (cited by Labcorp Genetics (formerly Invitae), Labcorp); PubMed 25439726 (cited by 5 submitters); PubMed 25568292 (cited by 4 submitters); PubMed 26392352 (cited by 3 submitters); PubMed 30373780 (cited by 3 submitters); PubMed 31827005 (cited by Women's Health and Genetics/Laboratory Corporation of America, LabCorp and Ambry Genetics); PubMed 26298607 (cited by Mayo Clinic Laboratories, Mayo Clinic); PubMed 26922252 (cited by Mayo Clinic Laboratories, Mayo Clinic); PubMed 32376792 (cited by Mayo Clinic Laboratories, Mayo Clinic); PubMed 33084218 (cited by Mayo Clinic Laboratories, Mayo Clinic).